The following is an entry in ClinVar:

NM_177402.5(SYT2):c.476G>A (p.Gly159Asp)

Gene: SYT2 (synaptotagmin 2; minus strand). Cytogenetic location: 1q32.1.
Variant type: single nucleotide variant.
Coding change: c.476G>A on transcript NM_177402.5 (MANE Select); coding-DNA position 476, G replaced by A.
Protein change: p.Gly159Asp; replaces glycine 159 with aspartic acid.
Molecular consequence: missense variant.
Genome position (GRCh38, 1-based): chr1:202,602,535, C>T on the plus strand (G>A on the coding strand, the complement: SYT2 is on the minus strand). VCF-style: chr1-202602535-C-T. GRCh37 (hg19) VCF-style: chr1-202571663-C-T.
Other names: c.476G>A, p.Gly159Asp (NM_001136504.1); short protein forms G159D.
Identifiers: ClinVar variation 1494032 (VCV001494032.9), dbSNP rs199715462, ClinGen allele CA1333754.

ClinVar aggregate classification (germline): Uncertain significance. Review status: criteria provided, multiple submitters, no conflicts (2 of 4 stars). 2 submissions from 2 submitters: Uncertain significance (2). Last evaluated 2025-05-23.

Conditions:
Inborn genetic diseases. Identifiers: MedGen C0950123, MeSH D030342.

Allele frequency attached by ClinVar (database versions not stated): gnomAD exomes below 0.00001 and 0.00002; ExAC 0.00003; gnomAD 0.00008; TOPMed 0.00008; ESP Exome Variant Server 0.00015; 1000 Genomes Project 30x 0.00016; 1000 Genomes Project 0.00020.
gnomAD v4.1: 17 of 1,612,706 alleles (0.0011%); highest among the groups gnomAD compares: African/African-American, 0.023%; no homozygotes.

Submissions (2):

Labcorp Genetics (formerly Invitae), Labcorp
Classification: Uncertain significance. Last evaluated: 2025-05-23. Review status: criteria provided, single submitter. Criteria: Invitae Variant Classification Sherloc (09022015). Collection method: clinical testing. Allele origin: germline.
Comment: This sequence change replaces glycine, which is neutral and non-polar, with aspartic acid, which is acidic and polar, at codon 159 of the SYT2 protein (p.Gly159Asp). This variant is present in population databases (rs199715462, gnomAD 0.03%). This variant has not been reported in the literature in individuals affected with SYT2-related conditions. ClinVar contains an entry for this variant (Variation ID: 1494032). Invitae Evidence Modeling of protein sequence and biophysical properties (such as structural, functional, and spatial information, amino acid conservation, physicochemical variation, residue mobility, and thermodynamic stability) has been performed for this missense variant. However, the output from this modeling did not meet the statistical confidence thresholds required to predict the impact of this variant on SYT2 protein function. In summary, the available evidence is currently insufficient to determine the role of this variant in disease. Therefore, it has been classified as a Variant of Uncertain Significance.

Ambry Genetics
Classification: Uncertain significance for Inborn genetic diseases. Last evaluated: 2025-02-07. Review status: criteria provided, single submitter. Criteria: Ambry Variant Classification Scheme 2023. Collection method: clinical testing. Allele origin: germline.